The following is an entry in ClinVar:

ClinVar aggregate classification (germline): Conflicting classifications of pathogenicity. Review status: criteria provided, conflicting classifications (1 of 4 stars). 12 submissions from 12 submitters: Uncertain significance (7); Likely benign (2). 3 of the submissions do not count toward it. Last evaluated 2025-10-07.

Conditions:
BRCA2-related disorder. Also called: BRCA2-related condition; BRCA2-related disorders. Identifiers: MedGen CN239275.
Breast-ovarian cancer, familial, susceptibility to, 2 (BROVCA2). Also called: BRCA2 Hereditary Breast and Ovarian Cancer. Identifiers: Orphanet 145, MedGen C2675520, MONDO:0012933, OMIM 612555. Disease mechanism: loss of function.
Fanconi anemia complementation group D1. Also called: BRCA2-Related Fanconi Anemia. Identifiers: Orphanet 319462, MedGen C1838457, MONDO:0011584, OMIM 605724.
Medulloblastoma (MDB). Also called: MEDULLOBLASTOMA PREDISPOSITION SYNDROME; Medulloblastoma, somatic. Identifiers: Orphanet 616, MedGen C0025149, MeSH D008527, MONDO:0007959, OMIM 155255, HP:0002885.
Pancreatic cancer, susceptibility to, 2. Identifiers: Orphanet 1333, MedGen C3150546, MONDO:0013235, OMIM 613347.
Glioma susceptibility 3 (GLM3). Also called: Glioblastoma 3. Identifiers: Orphanet 182067, Orphanet 360, MedGen C2751641, MONDO:0013093, OMIM 613029.
Wilms tumor 1 (WT1). Also called: Wilms tumor, somatic. Identifiers: Orphanet 654, MedGen CN033288, MONDO:0008679, OMIM 194070.
Familial cancer of breast. Also called: hereditary breast carcinoma; BREAST CANCER, FAMILIAL; Hereditary breast cancer. Identifiers: Orphanet 227535, MedGen C0346153, MONDO:0016419, OMIM 114480. Disease mechanism: loss of function.
Prostate cancer. Also called: Malignant tumor of prostate. Identifiers: Orphanet 1331, MedGen C0376358, MONDO:0008315, HP:0012125.
Hereditary cancer-predisposing syndrome. Also called: Hereditary Cancer Syndrome; Neoplastic Syndromes, Hereditary; Hereditary neoplastic syndrome; Tumor predisposition. Identifiers: Orphanet 140162, MedGen C0027672, MeSH D009386, MONDO:0015356.
Hereditary breast ovarian cancer syndrome. Also called: Hereditary breast and ovarian cancer syndrome; Breast and ovarian cancer; Hereditary breast and ovarian cancer syndrome (HBOC); BRCA1- and BRCA2-Associated Hereditary Breast and Ovarian Cancer; Hereditary breast and/or ovarian cancer syndrome; Hereditary breast and ovarian cancer. Identifiers: Orphanet 145, MedGen C0677776, MeSH D061325, MONDO:0003582. Disease mechanism: loss of function.

Submissions (12):

Color Diagnostics, LLC DBA Color Health
Classification: Uncertain significance for Hereditary cancer-predisposing syndrome. Last evaluated: 2025-10-07. Review status: criteria provided, single submitter. Criteria: ACMG Guidelines, 2015. Collection method: clinical testing. Allele origin: germline.
Comment: This missense variant replaces arginine with lysine at codon 435 of the BRCA2 protein. Computational prediction suggests that this variant may not impact protein structure and function. To our knowledge, functional studies have not been reported for this variant. This variant has been reported in an individual affected with breast cancer (PMID: 29202330). Multifactorial analysis on clinical data has reached a combined likelihood ratio (LR) of 0.547 from published LR for 1 carrier (PMID: 31131967). This variant has not been identified in the general population by the Genome Aggregation Database (gnomAD). The available evidence is insufficient to determine the role of this variant in disease conclusively. Therefore, this variant is classified as a Variant of Uncertain Significance.

Labcorp Genetics (formerly Invitae), Labcorp
Classification: Uncertain significance for Hereditary breast ovarian cancer syndrome. Last evaluated: 2025-09-23. Review status: criteria provided, single submitter. Criteria: Invitae Variant Classification Sherloc (09022015). Collection method: clinical testing. Allele origin: germline.
Comment: This sequence change replaces arginine, which is basic and polar, with lysine, which is basic and polar, at codon 435 of the BRCA2 protein (p.Arg435Lys). This variant is not present in population databases (gnomAD no frequency). This variant has not been reported in the literature in individuals affected with BRCA2-related conditions. ClinVar contains an entry for this variant (Variation ID: 91750). Invitae Evidence Modeling of protein sequence and biophysical properties (such as structural, functional, and spatial information, amino acid conservation, physicochemical variation, residue mobility, and thermodynamic stability) indicates that this missense variant is not expected to disrupt BRCA2 protein function with a negative predictive value of 95%. In summary, the available evidence is currently insufficient to determine the role of this variant in disease. Therefore, it has been classified as a Variant of Uncertain Significance.

Mayo Clinic Laboratories, Mayo Clinic
Classification: Likely benign. Last evaluated: 2025-03-21. Review status: criteria provided, single submitter. Criteria: ACMG Guidelines, 2015. Collection method: clinical testing. Allele origin: germline. Observed: 1 variant allele.
Comment: BP1_strong, PM2_supporting

Women's Health and Genetics/Laboratory Corporation of America, LabCorp
Classification: Uncertain significance. Last evaluated: 2024-08-05. Review status: criteria provided, single submitter. Criteria: LabCorp Variant Classification Summary - May 2015. Collection method: clinical testing. Allele origin: germline.
Comment: Variant summary: BRCA2 c.1304G>A (p.Arg435Lys) results in a conservative amino acid change in the encoded protein sequence. Five of five in-silico tools predict a benign effect of the variant on protein function. The variant was absent in 242726 control chromosomes. The available data on variant occurrences in the general population are insufficient to allow any conclusion about variant significance. To our knowledge, no occurrence of c.1304G>A in individuals affected with Hereditary Breast And Ovarian Cancer Syndrome and no experimental evidence demonstrating its impact on protein function have been reported. ClinVar contains an entry for this variant (Variation ID: 91750). Based on the evidence outlined above, the variant was classified as uncertain significance.

Ambry Genetics
Classification: Uncertain significance for Hereditary cancer-predisposing syndrome. Last evaluated: 2024-01-30. Review status: criteria provided, single submitter. Criteria: Ambry Variant Classification Scheme 2023. Collection method: clinical testing. Allele origin: germline.
Comment: The p.R435K variant (also known as c.1304G>A), located in coding exon 9 of the BRCA2 gene, results from a G to A substitution at nucleotide position 1304. The arginine at codon 435 is replaced by lysine, an amino acid with highly similar properties. This amino acid position is highly conserved in available vertebrate species. In addition, this alteration is predicted to be tolerated by in silico analysis. Since supporting evidence is limited at this time, the clinical significance of this alteration remains unclear.

All of Us Research Program, National Institutes of Health
Classification: Uncertain significance for Breast-ovarian cancer, familial, susceptibility to, 2. Last evaluated: 2023-10-30. Review status: criteria provided, single submitter. Criteria: ACMG Guidelines, 2015. Collection method: clinical testing. Allele origin: germline. Inheritance: Autosomal dominant inheritance. Observed: 2 variant alleles, 2 heterozygotes.
Comment: This missense variant replaces arginine with lysine at codon 435 of the BRCA2 protein. Computational prediction suggests that this variant may not impact protein structure and function (internally defined REVEL score threshold <= 0.5, PMID: 27666373). To our knowledge, functional studies have not been reported for this variant. This variant has been reported in an individual with breast cancer (PMID: 29202330). This variant has not been identified in the general population by the Genome Aggregation Database (gnomAD). The available evidence is insufficient to determine the role of this variant in disease conclusively. Therefore, this variant is classified as a Variant of Uncertain Significance.

This study involves interpretation of variants in research participants for the purpose of population health screening. Participant phenotype was not available at the time of variant classification. Additional details can be found in publication PMID: 35346344, PMCID: PMC8962531

University of Washington Department of Laboratory Medicine, University of Washington
Classification: Likely benign for Hereditary cancer-predisposing syndrome. Last evaluated: 2023-03-23. Review status: criteria provided, single submitter. Criteria: Dines et al. (Genet Med. 2020). Collection method: curation. Allele origin: germline.
Comment: Missense variant in a coldspot region where missense variants are very unlikely to be pathogenic (PMID:31911673).

BRCA2 exon 10 coldspot. Reclassification based on statistical prior probability.

Fulgent Genetics
Classification: Uncertain significance for Familial cancer of breast; Medulloblastoma; Familial prostate cancer; Wilms tumor 1; Fanconi anemia complementation group D1; Breast-ovarian cancer, familial, susceptibility to, 2; Glioma susceptibility 3; Pancreatic cancer, susceptibility to, 2. Last evaluated: 2021-10-19. Review status: criteria provided, single submitter. Criteria: ACMG Guidelines, 2015. Collection method: clinical testing. Allele origin: unknown.

GeneDx
Classification: Uncertain significance. Last evaluated: 2018-07-30. Review status: criteria provided, single submitter. Criteria: GeneDx Variant Classification (06012015). Collection method: clinical testing. Allele origin: germline. Affected: yes.
Comment: This variant is denoted BRCA2 c.1304G>A at the cDNA level, p.Arg435Lys (R435K) at the protein level, and results in the change of an Arginine to a Lysine (AGA>AAA). Using alternate nomenclature, this variant would be defined as BRCA2 1532G>A. This variant has not, to our knowledge, been published in the literature as a pathogenic or benign germline variant. BRCA2 Arg435Lys was not observed in large population cohorts (Lek 2016). This variant is not located in a known functional domain. In silico analysis, which includes protein predictors and evolutionary conservation, supports that this variant does not alter protein structure/function. Based on currently available evidence, it is unclear whether BRCA2 Arg435Lys is a pathogenic or benign variant. We consider it to be a variant of uncertain significance.

PreventionGenetics, part of Exact Sciences
Classification: Uncertain significance for BRCA2-related condition. Last evaluated: 2024-03-18. Review status: no assertion criteria provided. Collection method: clinical testing. Allele origin: germline. Not counted in ClinVar's aggregate classification.
Comment: The BRCA2 c.1304G>A variant is predicted to result in the amino acid substitution p.Arg435Lys. This variant was reported in an individual with triple negative breast cancer who also had other variants in BRCA1 and BRCA2 (Supplementary Table 3, Pop et al. 2017. PubMed ID: 29202330). To our knowledge, this variant has not been reported in a large population database, indicating this variant is rare. It has conflicting classifications listed in ClinVar ranging from benign to uncertain significance. This variant is located in a proposed mutational "coldspot" (Dines et al. 2020. PubMed ID: 31911673). At this time, the clinical significance of this variant is uncertain due to the absence of conclusive functional and genetic evidence.

Counsyl
Classification: Uncertain significance for Breast-ovarian cancer, familial, susceptibility to, 2. Last evaluated: 2016-04-06. Review status: no assertion criteria provided. Collection method: clinical testing. Allele origin: unknown. Not counted in ClinVar's aggregate classification.

Sharing Clinical Reports Project (SCRP)
Classification: Uncertain significance for Breast-ovarian cancer, familial 2. Last evaluated: 2007-08-02. Review status: no assertion criteria provided. Collection method: clinical testing. Allele origin: germline. Not counted in ClinVar's aggregate classification.

Literature cited by the submitters: PubMed 29202330 (cited by 4 submitters); PubMed 31131967 (cited by Color Diagnostics, LLC DBA Color Health); PubMed 31911673 (cited by Mayo Clinic Laboratories, Mayo Clinic).

NM_000059.4(BRCA2):c.1304G>A (p.Arg435Lys)

Gene: BRCA2 (BRCA2 DNA repair associated; plus strand). Cytogenetic location: 13q13.1.
Variant type: single nucleotide variant.
Coding change: c.1304G>A on transcript NM_000059.4 (MANE Select); coding-DNA position 1304, G replaced by A.
Protein change: p.Arg435Lys; replaces arginine 435 with lysine.
Molecular consequence: missense variant.
Genome position (GRCh38, 1-based): chr13:32,332,782, G>A. VCF-style: chr13-32332782-G-A. GRCh37 (hg19) VCF-style: chr13-32906919-G-A.
Other names: p.Arg435Lys; 1532G>A; short protein forms R435K.
Identifiers: ClinVar variation 91750 (VCV000091750.27), dbSNP rs398122725, ClinGen allele CA011523.
Genomic context (GRCh38, chr13:32,332,782, plus strand): 5'-ATATTTCTTCATGTGACCAAAATATTTCAGAAAAAGACCTATTAGACACAGAGAACAAAA[G>A]AAAGAAAGATTTTCTTACTTCAGAGAATTCTTTGCCACGTATTTCTAGCCTACCAAAATC-3'
Protein context (NP_000050.3, residues 425-445): EKDLLDTENK[Arg435Lys]KKDFLTSENS